The following is an entry in ClinVar:

ClinVar aggregate classification (germline): Uncertain significance (1 of 4 stars; one submission).

Submission:

CeGaT Center for Human Genetics Tuebingen
Classification: Uncertain significance. Last evaluated: 2022-06-01. Review status: criteria provided, single submitter. Criteria: CeGaT Center For Human Genetics Tuebingen Variant Classification Criteria Version 2. Collection method: clinical testing. Allele origin: germline. Affected: yes. Observed: 1 variant allele.
Comment: AASS: PM2, PP3

NM_005763.4(AASS):c.466G>A (p.Val156Met)

Gene: AASS (aminoadipate-semialdehyde synthase; minus strand). Cytogenetic location: 7q31.32.
Variant type: single nucleotide variant.
Coding change: c.466G>A on transcript NM_005763.4 (MANE Select); coding-DNA position 466, G replaced by A.
Protein change: p.Val156Met; replaces valine 156 with methionine.
Molecular consequence: missense variant.
Genome position (GRCh38, 1-based): chr7:122,126,381, C>T on the plus strand (G>A on the coding strand, the complement: AASS is on the minus strand). VCF-style: chr7-122126381-C-T. GRCh37 (hg19) VCF-style: chr7-121766435-C-T.
Other names: short protein forms V156M.
Identifiers: ClinVar variation 2657970 (VCV002657970.24), dbSNP rs2486095163, ClinGen allele CA369022499.